The following is an entry in ClinVar:

ClinVar aggregate classification (germline): Uncertain significance. Review status: criteria provided, multiple submitters, no conflicts (2 of 4 stars). 2 submissions from 2 submitters: Uncertain significance (2). Last evaluated 2025-12-16.

Conditions:
Brugada syndrome. Also called: Sudden unexpected nocturnal death syndrome; Sudden Unexplained Death Syndrome; Sudden Unexplained Nocturnal Death Syndrome (SUNDS); Sudden unexplained nocturnal death syndrome. Identifiers: Orphanet 130, MedGen C1142166, MONDO:0015263.

gnomAD v4.1: 11 of 1,614,042 alleles (0.00068%); highest among the groups gnomAD compares: East Asian, 0.016%; no homozygotes.

Submissions (2):

Ambry Genetics
Classification: Uncertain significance. Last evaluated: 2025-12-16. Review status: criteria provided, single submitter. Criteria: Ambry Variant Classification Scheme 2023. Collection method: clinical testing. Allele origin: germline.
Comment: The p.R601W variant (also known as c.1801C>T), located in coding exon 17 of the SLMAP gene, results from a C to T substitution at nucleotide position 1801. The arginine at codon 601 is replaced by tryptophan, an amino acid with dissimilar properties. This amino acid position is conserved. In addition, this alteration is predicted to be tolerated by in silico analysis. Based on the available evidence, the clinical significance of this variant remains unclear.

Labcorp Genetics (formerly Invitae), Labcorp
Classification: Uncertain significance for Brugada syndrome. Last evaluated: 2024-11-27. Review status: criteria provided, single submitter. Criteria: Invitae Variant Classification Sherloc (09022015). Collection method: clinical testing. Allele origin: germline.
Comment: This sequence change replaces arginine, which is basic and polar, with tryptophan, which is neutral and slightly polar, at codon 601 of the SLMAP protein (p.Arg601Trp). This variant is present in population databases (rs749775657, gnomAD 0.05%), and has an allele count higher than expected for a pathogenic variant. This variant has not been reported in the literature in individuals affected with SLMAP-related conditions. An algorithm developed to predict the effect of missense changes on protein structure and function (PolyPhen-2) suggests that this variant is likely to be disruptive. In summary, the available evidence is currently insufficient to determine the role of this variant in disease. Therefore, it has been classified as a Variant of Uncertain Significance.

NM_001377540.1(SLMAP):c.1903C>T (p.Arg635Trp)

Gene: SLMAP (sarcolemma associated protein; plus strand). Cytogenetic location: 3p14.3.
Variant type: single nucleotide variant.
Coding change: c.1903C>T on transcript NM_001377540.1 (MANE Select); coding-DNA position 1903, C replaced by T.
Protein change: p.Arg635Trp; replaces arginine 635 with tryptophan.
Molecular consequence: missense variant. On other transcripts: non-coding transcript variant (1).
Genome position (GRCh38, 1-based): chr3:57,912,584, C>T. VCF-style: chr3-57912584-C-T. GRCh37 (hg19) VCF-style: chr3-57898311-C-T.
Other names: c.1801C>T (NM_007159.2); c.331C>T, p.Arg111Trp (NM_001377927.1, NM_001377928.1, NM_001377926.1 and 1 more transcripts); c.1801C>T, p.Arg601Trp (NM_007159.5, NM_001377549.1); c.1780C>T, p.Arg594Trp (NM_001377555.1); c.1738C>T, p.Arg580Trp (NM_001377557.1, NM_001377559.1, NM_001304421.2); c.1729C>T, p.Arg577Trp (NM_001377562.1, NM_001377921.1); c.1717C>T, p.Arg573Trp (NM_001377922.1); c.1678C>T, p.Arg560Trp (NM_001377923.1); and 9 more; short protein forms R580W, R601W, R111W, R597W, R614W, R635W, R152W, R539W.
Identifiers: ClinVar variation 3709136 (VCV003709136.3).